The following is an entry in ClinVar:

NM_021815.5(SLC5A7):c.1621G>A (p.Glu541Lys)

Gene: SLC5A7 (solute carrier family 5 member 7; plus strand). Cytogenetic location: 2q12.3.
Variant type: single nucleotide variant.
Coding change: c.1621G>A on transcript NM_021815.5 (MANE Select); coding-DNA position 1621, G replaced by A.
Protein change: p.Glu541Lys; replaces glutamic acid 541 with lysine.
Molecular consequence: missense variant.
Genome position (GRCh38, 1-based): chr2:108,010,739, G>A. VCF-style: chr2-108010739-G-A. GRCh37 (hg19) VCF-style: chr2-108627195-G-A.
Other names: c.1621G>A, p.Glu541Lys (NM_001305005.3); c.1306G>A, p.Glu436Lys (NM_001305006.3); c.880G>A, p.Glu294Lys (NM_001305007.3); short protein forms E294K, E436K, E541K.
Identifiers: ClinVar variation 5040470 (VCV005040470.1).

ClinVar aggregate classification (germline): Uncertain significance (1 of 4 stars; one submission).

gnomAD v4.1: 3 of 1,613,690 alleles (0.00019%); highest among the groups gnomAD compares: East Asian, 0.0045%; no homozygotes.

Submission:

CeGaT Center for Human Genetics Tuebingen
Classification: Uncertain significance. Last evaluated: 2026-08-01. Review status: criteria provided, single submitter. Criteria: CeGaT Center For Human Genetics Tuebingen Variant Classification Criteria Version 2. Collection method: clinical testing. Allele origin: germline. Affected: yes. Observed: 1 variant allele.
Comment: SLC5A7: PM2